The following is an entry in ClinVar:

NM_001211.6(BUB1B):c.1588A>T (p.Ile530Phe)

Gene: BUB1B (BUB1 mitotic checkpoint serine/threonine kinase B; plus strand). Cytogenetic location: 15q15.1.
Variant type: single nucleotide variant.
Coding change: c.1588A>T on transcript NM_001211.6 (MANE Select); coding-DNA position 1588, A replaced by T.
Protein change: p.Ile530Phe; replaces isoleucine 530 with phenylalanine.
Molecular consequence: missense variant.
Genome position (GRCh38, 1-based): chr15:40,202,425, A>T. VCF-style: chr15-40202425-A-T. GRCh37 (hg19) VCF-style: chr15-40494626-A-T.
Other names: short protein forms I530F.
Identifiers: ClinVar variation 2565451 (VCV002565451.2), dbSNP rs2542558872, ClinGen allele CA391691141.

ClinVar aggregate classification (germline): Uncertain significance (1 of 4 stars; one submission).

Conditions:
Inborn genetic diseases. Identifiers: MedGen C0950123, MeSH D030342.

Submission:

Ambry Genetics
Classification: Uncertain significance for Inborn genetic diseases. Last evaluated: 2023-04-13. Review status: criteria provided, single submitter. Criteria: Ambry Variant Classification Scheme 2023. Collection method: clinical testing. Allele origin: germline.
Comment: The p.I530F variant (also known as c.1588A>T), located in coding exon 13 of the BUB1B gene, results from an A to T substitution at nucleotide position 1588. The isoleucine at codon 530 is replaced by phenylalanine, an amino acid with highly similar properties. This amino acid position is conserved. In addition, this alteration is predicted to be tolerated by in silico analysis. Since supporting evidence is limited at this time, the clinical significance of this alteration remains unclear.